The following is an entry in ClinVar:

ClinVar aggregate classification (germline): Conflicting classifications of pathogenicity. Review status: criteria provided, conflicting classifications (1 of 4 stars). 3 submissions from 3 submitters: Uncertain significance (2); Likely benign (1). Last evaluated 2025-07-01.

Conditions:
Inborn genetic diseases. Identifiers: MedGen C0950123, MeSH D030342.

Allele frequency attached by ClinVar (database versions not stated): gnomAD exomes below 0.00001; gnomAD 0.00001; ExAC 0.00002.
gnomAD v4.1: 5 of 1,611,048 alleles (0.00031%); highest among the groups gnomAD compares: East Asian, 0.0089%; no homozygotes.

Submissions (3):

CeGaT Center for Human Genetics Tuebingen
Classification: Uncertain significance. Last evaluated: 2025-07-01. Review status: criteria provided, single submitter. Criteria: CeGaT Center For Human Genetics Tuebingen Variant Classification Criteria Version 2. Collection method: clinical testing. Allele origin: germline. Affected: yes. Observed: 1 variant allele.
Comment: KMT2C: PM2:Supporting, BP4

Women's Health and Genetics/Laboratory Corporation of America, LabCorp
Classification: Uncertain significance. Last evaluated: 2024-07-22. Review status: criteria provided, single submitter. Criteria: LabCorp Variant Classification Summary - May 2015. Collection method: clinical testing. Allele origin: germline.
Comment: Variant summary: KMT2C c.1763A>G (p.Gln588Arg) results in a conservative amino acid change in the encoded protein sequence. Five of five in-silico tools predict a benign effect of the variant on protein function. The variant allele was found at a frequency of 1.6e-05 in 250846 control chromosomes. The available data on variant occurrences in the general population are insufficient to allow any conclusion about variant significance. To our knowledge, no occurrence of c.1763A>G in individuals affected with Kleefstra Syndrome 2 and no experimental evidence demonstrating its impact on protein function have been reported. ClinVar contains an entry for this variant (Variation ID: 2531110). Based on the evidence outlined above, the variant was classified as uncertain significance.

Ambry Genetics
Classification: Likely benign for Inborn genetic diseases. Last evaluated: 2023-03-29. Review status: criteria provided, single submitter. Criteria: Ambry Variant Classification Scheme 2023. Collection method: clinical testing. Allele origin: germline.

NM_170606.3(KMT2C):c.1763A>G (p.Gln588Arg)

Gene: KMT2C (lysine methyltransferase 2C; minus strand). Cytogenetic location: 7q36.1.
Variant type: single nucleotide variant.
Coding change: c.1763A>G on transcript NM_170606.3 (MANE Select); coding-DNA position 1763, A replaced by G.
Protein change: p.Gln588Arg; replaces glutamine 588 with arginine.
Molecular consequence: missense variant.
Genome position (GRCh38, 1-based): chr7:152,249,926, T>C on the plus strand (A>G on the coding strand, the complement: KMT2C is on the minus strand). VCF-style: chr7-152249926-T-C. GRCh37 (hg19) VCF-style: chr7-151947011-T-C.
Other names: short protein forms Q588R.
Identifiers: ClinVar variation 2531110 (VCV002531110.11), dbSNP rs768277427, ClinGen allele CA4581384.